The following is an entry in ClinVar:

NM_001127222.2(CACNA1A):c.2867G>T (p.Arg956Leu)

Gene: CACNA1A (calcium voltage-gated channel subunit alpha1 A; minus strand). Cytogenetic location: 19p13.13.
Variant type: single nucleotide variant.
Coding change: c.2867G>T on transcript NM_001127222.2 (MANE Select); coding-DNA position 2867, G replaced by T.
Protein change: p.Arg956Leu; replaces arginine 956 with leucine.
Molecular consequence: missense variant.
Genome position (GRCh38, 1-based): chr19:13,298,766, C>A on the plus strand (G>T on the coding strand, the complement: CACNA1A is on the minus strand). VCF-style: chr19-13298766-C-A. GRCh37 (hg19) VCF-style: chr19-13409580-C-A.
Other names: c.2879G>T, p.Arg960Leu (NM_000068.4, NM_023035.3); c.2870G>T, p.Arg957Leu (NM_001127221.2, NM_001174080.2); c.2867G>T (NM_001127222.1); short protein forms R957L, R960L, R956L.
Identifiers: ClinVar variation 422571 (VCV000422571.20), dbSNP rs551380805, ClinGen allele CA9240457.

ClinVar aggregate classification (germline): Conflicting classifications of pathogenicity. Review status: criteria provided, conflicting classifications (1 of 4 stars). 5 submissions from 5 submitters: Uncertain significance (1); Benign (2); Likely benign (2). Last evaluated 2025-09-15.

Conditions:
CACNA1A-related disorder. Also called: CACNA1A-related condition.
Developmental and epileptic encephalopathy, 42 (DEE42A). Also called: EPILEPTIC ENCEPHALOPATHY, EARLY INFANTILE, 42A; Epileptic encephalopathy, early infantile, 42; DEVELOPMENTAL AND EPILEPTIC ENCEPHALOPATHY 42A. Identifiers: MedGen C4310716, MONDO:0014917, OMIM 617106.
Episodic ataxia type 2 (EA2). Also called: ACETAZOLAMIDE-RESPONSIVE HEREDITARY PAROXYSMAL CEREBELLAR ATAXIA; ATAXIA, EPISODIC, WITH NYSTAGMUS; ATAXIA, FAMILIAL PAROXYSMAL; CEREBELLAR ATAXIA, PAROXYSMAL, ACETAZOLAMIDE-RESPONSIVE; CEREBELLOPATHY, HEREDITARY PAROXYSMAL; EPISODIC ATAXIA, NYSTAGMUS-ASSOCIATED. Identifiers: Orphanet 97, MedGen C1720416, MONDO:0007163, OMIM 108500.

Allele frequency attached by ClinVar (database versions not stated): TOPMed 0.00005; gnomAD 0.00009; gnomAD exomes 0.00019; ExAC 0.00061.
gnomAD v4.1: 106 of 1,520,538 alleles (0.007%); highest among the groups gnomAD compares: Middle Eastern, 0.021%; no homozygotes.

Submissions (5):

Labcorp Genetics (formerly Invitae), Labcorp
Classification: Likely benign for Developmental and epileptic encephalopathy, 42; Episodic ataxia type 2. Last evaluated: 2025-09-15. Review status: criteria provided, single submitter. Criteria: Invitae Variant Classification Sherloc (09022015). Collection method: clinical testing. Allele origin: germline.

PreventionGenetics, part of Exact Sciences
Classification: Likely benign for CACNA1A-related condition. Last evaluated: 2025-04-23. Review status: criteria provided, single submitter. Criteria: ACMG Guidelines, 2015. Collection method: clinical testing. Allele origin: germline.
Comment: This variant is classified as likely benign based on ACMG/AMP sequence variant interpretation guidelines (Richards et al. 2015 PMID: 25741868, with internal and published modifications).

GeneDx
Classification: Benign. Last evaluated: 2019-08-05. Review status: criteria provided, single submitter. Criteria: GeneDx Variant Classification Process June 2021. Collection method: clinical testing. Allele origin: germline. Affected: yes.

Eurofins Ntd Llc (ga)
Classification: Uncertain significance. Last evaluated: 2018-04-03. Review status: criteria provided, single submitter. Criteria: EGL ClinVar v180209 classification definitions. Collection method: clinical testing. Allele origin: germline. Observed: 1 variant allele, 1 heterozygote.

Athena Diagnostics
Classification: Benign. Last evaluated: 2018-03-12. Review status: criteria provided, single submitter. Criteria: Athena Diagnostics Criteria. Collection method: clinical testing. Allele origin: germline.